The following is an entry in ClinVar:

NC_000011.9:g.(?_64550219)_(64573119_?)del

Genes: MAP4K2 (mitogen-activated protein kinase kinase kinase kinase 2; minus strand), MEN1 (menin 1; minus strand). Cytogenetic location: 11q13.1.
Variant type: Deletion.
Identifiers: ClinVar variation 3244557 (VCV003244557.1).

ClinVar aggregate classification (germline): Pathogenic (1 of 4 stars; one submission).

Conditions:
Multiple endocrine neoplasia, type 1 (MEN1). Also called: Endocrine adenomatosis multiple; MEN 1; MEA I; MEN I; WERMER SYNDROME. Identifiers: Orphanet 652, MedGen C0025267, MeSH D018761, MONDO:0007540, OMIM 131100.

Submission:

Labcorp Genetics (formerly Invitae), Labcorp
Classification: Pathogenic for Multiple endocrine neoplasia, type 1. Last evaluated: 2021-03-15. Review status: criteria provided, single submitter. Criteria: Invitae Variant Classification Sherloc (09022015). Collection method: clinical testing. Allele origin: unknown.
Comment: This frameshift change truncates the functionally conserved NLS2 domain of the MEN1 protein. Experimental studies have shown that disruption of this region abrogates the ability of MEN1 to bind DNA, regulate target gene expression, and inhibit cell proliferation (PMID: 15331604, 16449969). For these reasons, this variant has been classified as Pathogenic. This variant disrupts the C-terminus of the MEN1 protein. Other variant(s) that disrupt this region (p.Lys559Glufs*38) have been determined to be pathogenic (PMID: PMID: 10090472, Invitae). This suggests that variants that disrupt this region of the protein are likely to be causative of disease. This variant has been observed in individual(s) with clinical features of multiple endocrine neoplasia type 1 (Invitae). This variant results in the deletion of exon(s) 9-10 and part of exon 8 (c.1173_*21587del) of the MEN1 gene. While this deletion is not anticipated to lead to nonsense mediated decay, it is expected to alter mRNA translation or result in a truncated protein product.

Literature cited by the submitters: PubMed 15331604; PubMed 16449969; PubMed 10090472.